The following is an entry in ClinVar:

ClinVar aggregate classification (germline): Pathogenic. Review status: criteria provided, single submitter (1 of 4 stars). 2 submissions from 2 submitters: Pathogenic (1). 1 of the submissions does not count toward it. Last evaluated 2021-06-08.

Conditions:
Pulmonary hypertension, primary, 1 (PPH1). Also called: Pulmonary hypertension, familial primary, 1, with or without HHT. Identifiers: Orphanet 422, MedGen C4552070, MONDO:0024533, OMIM 178600.
Primary pulmonary hypertension. Also called: Idiopathic pulmonary hypertension. Identifiers: MedGen C0152171.

Submissions (2):

Labcorp Genetics (formerly Invitae), Labcorp
Classification: Pathogenic for Primary pulmonary hypertension. Last evaluated: 2021-06-08. Review status: criteria provided, single submitter. Criteria: Invitae Variant Classification Sherloc (09022015). Collection method: clinical testing. Allele origin: germline.
Comment: This variant has been observed in individual(s) with pulmonary arterial hypertension (PMID: 16717148, 31727138). ClinVar contains an entry for this variant (Variation ID: 425858). This variant is also described as c.968_969insT (p.H324fsX3) in the literature. This variant is not present in population databases (ExAC no frequency). This sequence change creates a premature translational stop signal (p.His324Serfs*3) in the BMPR2 gene. It is expected to result in an absent or disrupted protein product. Loss-of-function variants in BMPR2 are known to be pathogenic (PMID: 16429395). For these reasons, this variant has been classified as Pathogenic.

Rare Disease Genomics Group, St George's University of London
Classification: Pathogenic for Primary pulmonary hypertension. Review status: no assertion criteria provided. Collection method: literature only. Allele origin: germline. Affected: yes. Not counted in ClinVar's aggregate classification.

Literature cited by the submitters: PubMed 16717148 (cited by Labcorp Genetics (formerly Invitae), Labcorp and Rare Disease Genomics Group, St George's University of London); PubMed 31727138 (cited by Labcorp Genetics (formerly Invitae), Labcorp); PubMed 16429395 (cited by Labcorp Genetics (formerly Invitae), Labcorp and Rare Disease Genomics Group, St George's University of London).

NM_001204.7(BMPR2):c.969dup (p.His324fs)

Gene: BMPR2 (bone morphogenetic protein receptor type 2; plus strand). Cytogenetic location: 2q33.2.
Variant type: Duplication.
Coding change: c.969dup on transcript NM_001204.7 (MANE Select); coding-DNA position 969, one base duplicated (T; older notation c.969dupT).
Protein change: p.His324fs; shifts the reading frame from histidine 324.
Molecular consequence: frameshift variant.
Genome position (GRCh38, 1-based): chr2:202,530,795, T duplicated. VCF-style (leftmost placement, unchanged base first): chr2-202530794-A-AT. GRCh37 (hg19) VCF-style: chr2-203395517-A-AT.
Other names: c.969dup, p.H324Sfs*3 (LRG_712t1); c.969dupT (NM_001204.6); short protein forms H324fs.
Identifiers: ClinVar variation 425858 (VCV000425858.8), dbSNP rs1085307283, ClinGen allele CA645293969.
Genomic context (GRCh38, chr2:202,530,794, plus strand): 5'-TCATTTCATGTTCAATAGTCCCTTTTATTCATTGATAAATATTTGAAATTATCCAAACAG[A>AT]TCATTATAAACCTGCAATTTCCCATCGAGATTTAAACAGCAGAAATGTCCTAGTGAAAAA-3'